The following is an entry in ClinVar:

ClinVar aggregate classification (germline): Uncertain significance (1 of 4 stars; one submission).

Conditions:
Kabuki syndrome. Also called: NIIKAWA-KUROKI SYNDROME; Kabuki make-up syndrome. Identifiers: Orphanet 2322, MedGen C0796004, MONDO:0016512.

Submission:

Labcorp Genetics (formerly Invitae), Labcorp
Classification: Uncertain significance for Kabuki syndrome. Last evaluated: 2022-06-13. Review status: criteria provided, single submitter. Criteria: Invitae Variant Classification Sherloc (09022015). Collection method: clinical testing. Allele origin: germline.
Comment: This variant has not been reported in the literature in individuals affected with KMT2D-related conditions. Advanced modeling of protein sequence and biophysical properties (such as structural, functional, and spatial information, amino acid conservation, physicochemical variation, residue mobility, and thermodynamic stability) performed at Invitae indicates that this missense variant is not expected to disrupt KMT2D protein function. Algorithms developed to predict the effect of sequence changes on RNA splicing suggest that this variant may create or strengthen a splice site. In summary, the available evidence is currently insufficient to determine the role of this variant in disease. Therefore, it has been classified as a Variant of Uncertain Significance. This variant is not present in population databases (gnomAD no frequency). This sequence change replaces aspartic acid, which is acidic and polar, with asparagine, which is neutral and polar, at codon 1113 of the KMT2D protein (p.Asp1113Asn).

NM_003482.4(KMT2D):c.3337G>A (p.Asp1113Asn)

Gene: KMT2D (lysine methyltransferase 2D; minus strand). Cytogenetic location: 12q13.12.
Variant type: single nucleotide variant.
Coding change: c.3337G>A on transcript NM_003482.4 (MANE Select); coding-DNA position 3337, G replaced by A.
Protein change: p.Asp1113Asn; replaces aspartic acid 1113 with asparagine.
Molecular consequence: missense variant.
Genome position (GRCh38, 1-based): chr12:49,050,251, C>T on the plus strand (G>A on the coding strand, the complement: KMT2D is on the minus strand). VCF-style: chr12-49050251-C-T. GRCh37 (hg19) VCF-style: chr12-49444034-C-T.
Other names: short protein forms D1113N.
Identifiers: ClinVar variation 2005786 (VCV002005786.4), dbSNP rs1178360990, ClinGen allele CA384657357.